The following is an entry in ClinVar:

ClinVar aggregate classification (germline): Likely benign. Review status: criteria provided, multiple submitters, no conflicts (2 of 4 stars). 4 submissions from 4 submitters: Likely benign (3). 1 of the submissions does not count toward it. Last evaluated 2025-10-04.

Conditions:
RPGRIP1L-related disorder. Also called: RPGRIP1L-related condition; RPGRIP1L-related disorders. Identifiers: MedGen CN239416.
Meckel-Gruber syndrome. Also called: GRUBER SYNDROME; Dysencephalia splachnocystica; DYSENCEPHALIA SPLANCHNOCYSTICA. Identifiers: Orphanet 564, MedGen C0265215, MONDO:0018921.
Joubert syndrome. Also called: Familial aplasia of the vermis; JOUBERT-BOLTSHAUSER SYNDROME. Identifiers: Orphanet 475, MedGen C5979921, MONDO:0018772.

Allele frequency attached by ClinVar (database versions not stated): gnomAD 0.00002; TOPMed 0.00004.

Submissions (4):

Labcorp Genetics (formerly Invitae), Labcorp
Classification: Likely benign for Joubert syndrome; Meckel-Gruber syndrome. Last evaluated: 2025-10-04. Review status: criteria provided, single submitter. Criteria: Invitae Variant Classification Sherloc (09022015). Collection method: clinical testing. Allele origin: germline.

PreventionGenetics, part of Exact Sciences
Classification: Likely benign for RPGRIP1L-related condition. Last evaluated: 2025-06-24. Review status: criteria provided, single submitter. Criteria: ACMG Guidelines, 2015. Collection method: clinical testing. Allele origin: germline.
Comment: This variant is classified as likely benign based on ACMG/AMP sequence variant interpretation guidelines (Richards et al. 2015 PMID: 25741868, with internal and published modifications).

Blueprint Genetics
Classification: Likely benign. Last evaluated: 2022-11-14. Review status: criteria provided, single submitter. Criteria: ACMG Guidelines, 2015. Collection method: clinical testing. Allele origin: germline.

Natera, Inc.
Classification: Uncertain significance for Joubert syndrome. Last evaluated: 2020-07-30. Review status: no assertion criteria provided. Collection method: clinical testing. Allele origin: germline. Not counted in ClinVar's aggregate classification.

NM_015272.5(RPGRIP1L):c.2814C>T (p.Ser938=)

Gene: RPGRIP1L (RPGRIP1 like; minus strand). Cytogenetic location: 16q12.2.
Variant type: single nucleotide variant.
Coding change: c.2814C>T on transcript NM_015272.5 (MANE Select); coding-DNA position 2814, C replaced by T.
Protein change: p.Ser938=; no amino-acid change (serine 938 retained).
Molecular consequence: synonymous variant.
Genome position (GRCh38, 1-based): chr16:53,641,345, G>A on the plus strand (C>T on the coding strand, the complement: RPGRIP1L is on the minus strand). VCF-style: chr16-53641345-G-A. GRCh37 (hg19) VCF-style: chr16-53675257-G-A.
Other names: c.2814C>T (NM_015272.4); c.2814C>T, p.Ser938= (NM_001127897.4, NM_001308334.3, NM_001330538.2).
Identifiers: ClinVar variation 991015 (VCV000991015.11), dbSNP rs192512050, ClinGen allele CA495784274.